The following is an entry in ClinVar:

NM_000377.3(WAS):c.1001dup (p.Gly334_Asn335insTer)

Gene: WAS (WASP actin nucleation promoting factor; plus strand). Cytogenetic location: Xp11.23.
Variant type: Duplication.
Coding change: c.1001dup on transcript NM_000377.3 (MANE Select); coding-DNA position 1001, one base duplicated (G; older notation c.1001dupG).
Protein change: p.Gly334_Asn335insTer.
Molecular consequence: frameshift variant.
Genome position (GRCh38, 1-based): chrX:48,688,729, G duplicated; the last of 6 consecutive G bases (chrX:48,688,724-48,688,729); duplicating any one gives the same sequence. VCF-style (leftmost placement, unchanged base first): chrX-48688723-T-TG. GRCh37 (hg19) VCF-style: chrX-48547112-T-TG.
Identifiers: ClinVar variation 949013 (VCV000949013.11), dbSNP rs1569494025, ClinGen allele CA1139667531.

ClinVar aggregate classification (germline): Pathogenic. Review status: criteria provided, multiple submitters, no conflicts (2 of 4 stars). 3 submissions from 3 submitters: Pathogenic (3). Last evaluated 2026-04-07.

Conditions:
Thrombocytopenia 1. Also called: X-linked thrombocytopenia with normal platelets; THROMBOCYTOPENIA, X-LINKED, 1; X-Linked Thrombocytopenia (XLT). Identifiers: Orphanet 268322, Orphanet 852, MedGen C1839163, MONDO:0010743, OMIM 313900.
X-linked severe congenital neutropenia (SCNX). Identifiers: Orphanet 86788, MedGen C1845987, MONDO:0010294, OMIM 300299.
Wiskott-Aldrich syndrome (WAS). Also called: ALDRICH SYNDROME; IMMUNODEFICIENCY 2; WISKOTT-ALDRICH SYNDROME 1; Wiskott-aldrich syndrome, somatic. Identifiers: Orphanet 906, MedGen C0043194, MONDO:0010518, OMIM 301000.

Submissions (3):

Victorian Clinical Genetics Services, Murdoch Childrens Research Institute
Classification: Pathogenic for Wiskott-Aldrich syndrome. Last evaluated: 2026-04-07. Review status: criteria provided, single submitter. Criteria: ACMG Guidelines, 2015. Collection method: clinical testing. Allele origin: germline. Affected: yes.
Comment: This variant is classified as Pathogenic. Evidence in support of pathogenic classification: Variant is predicted to cause nonsense-mediated decay (NMD) and loss of protein (premature termination codon is located at least 54 nucleotides upstream of the final exon-exon junction); Variant is absent from gnomAD (v2, v3 and v4); This variant has limited previous evidence of pathogenicity in an unrelated individual. This variant has been classified as pathogenic by a clinical laboratory in ClinVar. In addition, another duplication variant resulting in the same protein outcome (c.995dup) has been classified as pathogenic by a clinical laboratory in ClinVar; Other NMD-predicted variants comparable to the one identified in this case have very strong previous evidence for pathogenicity (DECIPHER). Additional information: This variant is hemizygous; This gene is associated with X-linked recessive disease. Most females with heterozygotes variants are asymptomatic; however, skewed X-inactivation has been reported in some affected females (OMIM, PMIDs: 20301357, 23689198); Loss of function and gain of function are known mechanisms of disease in this gene. Loss of function is associated with X-linked thrombocytopenia (XLT; MIM#313900), and Wiskott-Aldrich syndrome (WAS; MIM#301000) (PMID: 12969986). While gain of function is associated with X-linked severe congenital neutropenia (MIM#300299) (PMIDs: 11242115, 20513746); Variants in this gene are known to have variable expressivity. Variable expressivity of clinical findings and disease severity have been reported (PMID: 20301357); Inheritance information for this variant is not currently available in this individual.

GeneDx
Classification: Pathogenic. Last evaluated: 2026-04-01. Review status: criteria provided, single submitter. Criteria: GeneDx Variant Classification Process June 2021. Collection method: clinical testing. Allele origin: germline.
Comment: Nonsense variant predicted to result in protein truncation or nonsense mediated decay in a gene for which loss of function is a known mechanism of disease; Not observed at significant frequency in large population cohorts (gnomAD); This variant is associated with the following publications: (PMID: 30738478, 8757562, 39581942, 8595430)

Labcorp Genetics (formerly Invitae), Labcorp
Classification: Pathogenic for Wiskott-Aldrich syndrome; X-linked severe congenital neutropenia; Thrombocytopenia 1. Last evaluated: 2021-04-27. Review status: criteria provided, single submitter. Criteria: Invitae Variant Classification Sherloc (09022015). Collection method: clinical testing. Allele origin: germline.
Comment: Algorithms developed to predict the effect of sequence changes on RNA splicing suggest that this variant may create or strengthen a splice site, but this prediction has not been confirmed by published transcriptional studies. This variant has been observed in individuals affected with Wiskott-Aldrich syndrome (PMID: 8595430, 8757562). This variant is also known as G insertion at 1035 in the literature. This variant is not present in population databases (ExAC no frequency). This sequence change creates a premature translational stop signal (p.Asn335*) in the WAS gene. It is expected to result in an absent or disrupted protein product. Loss-of-function variants in WAS are known to be pathogenic (PMID: 15284122). For these reasons, this variant has been classified as Pathogenic.

Literature cited by the submitters: PubMed 20513746 (cited by Victorian Clinical Genetics Services, Murdoch Childrens Research Institute); PubMed 12969986 (cited by Victorian Clinical Genetics Services, Murdoch Childrens Research Institute); PubMed 20301357 (cited by Victorian Clinical Genetics Services, Murdoch Childrens Research Institute); PubMed 11242115 (cited by Victorian Clinical Genetics Services, Murdoch Childrens Research Institute); PubMed 23689198 (cited by Victorian Clinical Genetics Services, Murdoch Childrens Research Institute); PubMed 8595430 (cited by Labcorp Genetics (formerly Invitae), Labcorp); PubMed 8757562 (cited by Labcorp Genetics (formerly Invitae), Labcorp); PubMed 15284122 (cited by Labcorp Genetics (formerly Invitae), Labcorp).